The following is an entry in ClinVar:

NM_015909.4(NBAS):c.4241C>A (p.Thr1414Asn)

Gene: NBAS (NBAS subunit of NRZ tethering complex; minus strand). Cytogenetic location: 2p24.3.
Variant type: single nucleotide variant.
Coding change: c.4241C>A on transcript NM_015909.4 (MANE Select); coding-DNA position 4241, C replaced by A.
Protein change: p.Thr1414Asn; replaces threonine 1414 with asparagine.
Molecular consequence: missense variant. On other transcripts: non-coding transcript variant (1).
Genome position (GRCh38, 1-based): chr2:15,330,704, G>T on the plus strand (C>A on the coding strand, the complement: NBAS is on the minus strand). VCF-style: chr2-15330704-G-T. GRCh37 (hg19) VCF-style: chr2-15470828-G-T.
Other names: short protein forms T1414N.
Identifiers: ClinVar variation 1372377 (VCV001372377.6), dbSNP rs1672293301, ClinGen allele CA345881713.
Genomic context (GRCh38, chr2:15,330,704, plus strand): 5'-TCACTGACGGCCTGCAGCACCGCTTTGGTGGTGGTTGTGGTGTTGGAAAGGACTTTCATG[G>T]TGGTAGCAGTGGTCCAGCGCAATAGGTCAGCTGAATTGCTACCTGGAACACCTACTTCAT-3'
Protein context (NP_056993.2, residues 1404-1424): ADLLRWTTAT[Thr1414Asn]MKVLSNTTTT

ClinVar aggregate classification (germline): Uncertain significance (1 of 4 stars; one submission).

gnomAD v4.1: 1 of 1,614,052 alleles (0.000062%); highest among the groups gnomAD compares: Non-Finnish European, 0.000085%; no homozygotes.

Submission:

Labcorp Genetics (formerly Invitae), Labcorp
Classification: Uncertain significance. Last evaluated: 2022-08-16. Review status: criteria provided, single submitter. Criteria: Invitae Variant Classification Sherloc (09022015). Collection method: clinical testing. Allele origin: germline.
Comment: In summary, the available evidence is currently insufficient to determine the role of this variant in disease. Therefore, it has been classified as a Variant of Uncertain Significance. Algorithms developed to predict the effect of missense changes on protein structure and function (SIFT, PolyPhen-2, Align-GVGD) all suggest that this variant is likely to be disruptive. ClinVar contains an entry for this variant (Variation ID: 1372377). This variant has not been reported in the literature in individuals affected with NBAS-related conditions. This variant is not present in population databases (gnomAD no frequency). This sequence change replaces threonine, which is neutral and polar, with asparagine, which is neutral and polar, at codon 1414 of the NBAS protein (p.Thr1414Asn).